The following is an entry in ClinVar:

ClinVar aggregate classification (germline): Likely benign (1 of 4 stars; one submission).

gnomAD v4.1: 9 of 1,614,174 alleles (0.00056%); highest among the groups gnomAD compares: East Asian, 0.0067%; no homozygotes.

Submission:

CeGaT Center for Human Genetics Tuebingen
Classification: Likely benign. Last evaluated: 2024-11-01. Review status: criteria provided, single submitter. Criteria: CeGaT Center For Human Genetics Tuebingen Variant Classification Criteria Version 2. Collection method: clinical testing. Allele origin: germline. Affected: yes. Observed: 1 variant allele.
Comment: GRIN2B: BP4, BP7

NM_000834.5(GRIN2B):c.3813G>A (p.Ala1271=)

Gene: GRIN2B (glutamate ionotropic receptor NMDA type subunit 2B; minus strand). Cytogenetic location: 12p13.1.
Variant type: single nucleotide variant.
Coding change: c.3813G>A on transcript NM_000834.5 (MANE Select); coding-DNA position 3813, G replaced by A.
Protein change: p.Ala1271=; no amino-acid change (alanine 1271 retained).
Molecular consequence: synonymous variant.
Genome position (GRCh38, 1-based): chr12:13,563,425, C>T on the plus strand (G>A on the coding strand, the complement: GRIN2B is on the minus strand). VCF-style: chr12-13563425-C-T. GRCh37 (hg19) VCF-style: chr12-13716359-C-T.
Other names: c.3813G>A, p.Ala1271= (NM_001413992.1).
Identifiers: ClinVar variation 3389270 (VCV003389270.14).